The following is an entry in ClinVar:

ClinVar aggregate classification (germline): Uncertain significance (1 of 4 stars; one submission).

Conditions:
Congenital contractural arachnodactyly (CCA). Also called: BEALS SYNDROME; Beals-Hecht syndrome; Arthrogryposis, distal, type 9. Identifiers: Orphanet 115, MedGen C0220668, MONDO:0007363, OMIM 121050.

Allele frequency attached by ClinVar (database versions not stated): ExAC 0.00001; gnomAD exomes 0.00001; TOPMed 0.00001; ESP Exome Variant Server 0.00008.
gnomAD v4.1: 9 of 1,614,038 alleles (0.00056%); highest among the groups gnomAD compares: Middle Eastern, 0.016%; no homozygotes.

Submission:

Labcorp Genetics (formerly Invitae), Labcorp
Classification: Uncertain significance for Congenital contractural arachnodactyly. Last evaluated: 2024-05-06. Review status: criteria provided, single submitter. Criteria: Invitae Variant Classification Sherloc (09022015). Collection method: clinical testing. Allele origin: germline.
Comment: This sequence change falls in intron 58 of the FBN2 gene. It does not directly change the encoded amino acid sequence of the FBN2 protein. It affects a nucleotide within the consensus splice site. This variant is present in population databases (rs369559870, gnomAD 0.007%). This variant has not been reported in the literature in individuals affected with FBN2-related conditions. ClinVar contains an entry for this variant (Variation ID: 1009297). Variants that disrupt the consensus splice site are a relatively common cause of aberrant splicing (PMID: 17576681, 9536098). Algorithms developed to predict the effect of sequence changes on RNA splicing suggest that this variant is not likely to affect RNA splicing. In summary, the available evidence is currently insufficient to determine the role of this variant in disease. Therefore, it has been classified as a Variant of Uncertain Significance.

Literature cited by the submitters: PubMed 17576681; PubMed 9536098.

NM_001999.4(FBN2):c.7471+5C>T

Gene: FBN2 (fibrillin 2; minus strand). Cytogenetic location: 5q23.3.
Variant type: single nucleotide variant.
Coding change: c.7471+5C>T on transcript NM_001999.4 (MANE Select); 5 bases into the intron after coding-DNA position 7471, C replaced by T.
Molecular consequence: intron variant.
Genome position (GRCh38, 1-based): chr5:128,277,875, G>A on the plus strand (C>T on the coding strand, the complement: FBN2 is on the minus strand). VCF-style: chr5-128277875-G-A. GRCh37 (hg19) VCF-style: chr5-127613567-G-A.
Identifiers: ClinVar variation 1009297 (VCV001009297.9), dbSNP rs369559870, ClinGen allele CA3394119.